The following is an entry in ClinVar:

NM_032578.4(MYPN):c.1899C>G (p.Asn633Lys)

Gene: MYPN (myopalladin; plus strand). Cytogenetic location: 10q21.3.
Variant type: single nucleotide variant.
Coding change: c.1899C>G on transcript NM_032578.4 (MANE Select); coding-DNA position 1899, C replaced by G.
Protein change: p.Asn633Lys; replaces asparagine 633 with lysine.
Molecular consequence: missense variant. On other transcripts: non-coding transcript variant (2).
Genome position (GRCh38, 1-based): chr10:68,166,592, C>G. VCF-style: chr10-68166592-C-G. GRCh37 (hg19) VCF-style: chr10-69926349-C-G.
Other names: c.1899C>G, p.Asn633Lys (NM_001256267.2); c.1017C>G, p.Asn339Lys (NM_001256268.2); short protein forms N633K, N339K.
Identifiers: ClinVar variation 4116174 (VCV004116174.2).

ClinVar aggregate classification (germline): Uncertain significance (1 of 4 stars; one submission).

Conditions:
Cardiovascular phenotype. Identifiers: MedGen CN230736.

gnomAD v4.1: 3 of 1,613,998 alleles (0.00019%); highest among the groups gnomAD compares: Non-Finnish European, 0.00025%; no homozygotes.

Submission:

Ambry Genetics
Classification: Uncertain significance for Cardiovascular phenotype. Last evaluated: 2026-03-23. Review status: criteria provided, single submitter. Criteria: Ambry Variant Classification Scheme 2023. Collection method: clinical testing. Allele origin: germline.
Comment: The p.N633K variant (also known as c.1899C>G), located in coding exon 9 of the MYPN gene, results from a C to G substitution at nucleotide position 1899. The asparagine at codon 633 is replaced by lysine, an amino acid with similar properties. This amino acid position is conserved. In addition, this alteration is predicted to be tolerated by in silico analysis. Based on the available evidence, the clinical significance of this variant remains unclear.